The following is an entry in ClinVar:

NM_004168.4(SDHA):c.1712T>C (p.Leu571Pro)

Gene: SDHA (succinate dehydrogenase complex flavoprotein subunit A; plus strand). Cytogenetic location: 5p15.33.
Variant type: single nucleotide variant.
Coding change: c.1712T>C on transcript NM_004168.4 (MANE Select); coding-DNA position 1712, T replaced by C.
Protein change: p.Leu571Pro; replaces leucine 571 with proline.
Molecular consequence: missense variant. On other transcripts: intron variant (1).
Genome position (GRCh38, 1-based): chr5:251,386, T>C. VCF-style: chr5-251386-T-C. GRCh37 (hg19) VCF-style: chr5-251501-T-C.
Other names: c.1568T>C, p.Leu523Pro (NM_001294332.2); c.1552-3007T>C (NM_001330758.2); short protein forms L523P, L571P.
Identifiers: ClinVar variation 850046 (VCV000850046.16), dbSNP rs1736817446, ClinGen allele CA359000066.

ClinVar aggregate classification (germline): Uncertain significance. Review status: criteria provided, multiple submitters, no conflicts (2 of 4 stars). 2 submissions from 2 submitters: Uncertain significance (2). Last evaluated 2022-11-01.

Conditions:
Mitochondrial complex II deficiency, nuclear type 1. Also called: SUCCINATE CoQ REDUCTASE DEFICIENCY. Identifiers: Orphanet 3208, MedGen C5700310, MONDO:0100294, OMIM 252011.
Pheochromocytoma/paraganglioma syndrome 5. Also called: Paragangliomas 5; SDHA-Related Hereditary Paraganglioma-Pheochromocytoma Syndrome. Identifiers: Orphanet 29072, MedGen C3279992, MONDO:0013602, OMIM 614165.

Allele frequency attached by ClinVar (database versions not stated): gnomAD 0.00001.
gnomAD v4.1: 1 of 1,613,692 alleles (0.000062%); highest among the groups gnomAD compares: Admixed American, 0.0017%; no homozygotes.

Submissions (2):

Labcorp Genetics (formerly Invitae), Labcorp
Classification: Uncertain significance for Pheochromocytoma/paraganglioma syndrome 5; Mitochondrial complex II deficiency, nuclear type 1. Last evaluated: 2022-11-01. Review status: criteria provided, single submitter. Criteria: Invitae Variant Classification Sherloc (09022015). Collection method: clinical testing. Allele origin: germline.
Comment: In summary, the available evidence is currently insufficient to determine the role of this variant in disease. Therefore, it has been classified as a Variant of Uncertain Significance. Algorithms developed to predict the effect of missense changes on protein structure and function (SIFT, PolyPhen-2, Align-GVGD) all suggest that this variant is likely to be disruptive. ClinVar contains an entry for this variant (Variation ID: 850046). This variant has not been reported in the literature in individuals affected with SDHA-related conditions. This variant is not present in population databases (gnomAD no frequency). This sequence change replaces leucine, which is neutral and non-polar, with proline, which is neutral and non-polar, at codon 571 of the SDHA protein (p.Leu571Pro).

Women's Health and Genetics/Laboratory Corporation of America, LabCorp
Classification: Uncertain significance. Last evaluated: 2022-07-21. Review status: criteria provided, single submitter. Criteria: LabCorp Variant Classification Summary - May 2015. Collection method: clinical testing. Allele origin: germline.
Comment: Variant summary: SDHA c.1712T>C (p.Leu571Pro) results in a non-conservative amino acid change located in the Fumarate reductase/succinate dehydrogenase flavoprotein-like, C-terminal domain (IPR015939) of the encoded protein sequence. Five of five in-silico tools predict a damaging effect of the variant on protein function. The variant was absent in 250580 control chromosomes (gnomAD). The available data on variant occurrences in the general population are insufficient to allow any conclusion about variant significance. To our knowledge, no occurrence of c.1712T>C in individuals affected with Neurodegeneration With Ataxia And Late-Onset Optic Atrophy and no experimental evidence demonstrating its impact on protein function have been reported. One clinical diagnostic laboratory has submitted clinical-significance assessments for this variant to ClinVar after 2014 without evidence for independent evaluation and classified the variant as uncertain significance. Based on the evidence outlined above, the variant was classified as uncertain significance.